The following is an entry in ClinVar:

NM_033305.3(VPS13A):c.4154C>G (p.Ser1385Ter)

Gene: VPS13A (vacuolar protein sorting 13 homolog A; plus strand). Cytogenetic location: 9q21.2.
Variant type: single nucleotide variant.
Coding change: c.4154C>G on transcript NM_033305.3 (MANE Select); coding-DNA position 4154, C replaced by G.
Protein change: p.Ser1385Ter; replaces serine 1385 with a stop codon.
Molecular consequence: nonsense.
Genome position (GRCh38, 1-based): chr9:77,314,031, C>G. VCF-style: chr9-77314031-C-G. GRCh37 (hg19) VCF-style: chr9-79928947-C-G.
Other names: c.4037C>G, p.Ser1346Ter (NM_001018037.2); c.4154C>G, p.Ser1385Ter (NM_001018038.3, NM_015186.4); short protein forms S1346*, S1385*.
Identifiers: ClinVar variation 4816399 (VCV004816399.1).

ClinVar aggregate classification (germline): Likely pathogenic (1 of 4 stars; one submission).

Conditions:
VPS13A-related neurodegenerative disease. Also called: LEVINE-CRITCHLEY SYNDROME; Choreoacanthocytosis; Chorea-acanthocytosis; ACANTHOCYTOSIS WITH NEUROLOGIC DISORDER; VPS13A Disease; Choreaacanthocytosis. Identifiers: Orphanet 2388, MedGen C0393576, MONDO:0008695, OMIM 200150.

Submission:

Natera, Inc.
Classification: Likely pathogenic for Choreaacanthocytosis. Last evaluated: 2024-11-15. Review status: criteria provided, single submitter. Criteria: Natera Variant Classification Schema (03/2026). Collection method: clinical testing. Allele origin: germline.
Comment: The c.4154C>G variant in VPS13A is a nonsense variant predicted to introduce a stop codon at amino acid 1385. This variant is expected to result in nonsense mediated decay, truncation, or a dysfunctional protein product. This variant is rare in the general population with a frequency below the threshold expected for the associated phenotype(s). Given the available evidence, this variant is classified as Likely Pathogenic.